The following is an entry in ClinVar:

ClinVar aggregate classification (germline): Uncertain significance (1 of 4 stars; one submission).

Conditions:
Deficiency of isobutyryl-CoA dehydrogenase. Also called: ACYL-CoA DEHYDROGENASE FAMILY, MEMBER 8, DEFICIENCY OF; IBD DEFICIENCY; ACAD8 DEFICIENCY. Identifiers: Orphanet 79159, MedGen C1969809, MONDO:0012648, OMIM 611283.

Submission:

Labcorp Genetics (formerly Invitae), Labcorp
Classification: Uncertain significance for Deficiency of isobutyryl-CoA dehydrogenase. Last evaluated: 2025-10-26. Review status: criteria provided, single submitter. Criteria: Invitae Variant Classification Sherloc (09022015). Collection method: clinical testing. Allele origin: germline.
Comment: This sequence change replaces threonine, which is neutral and polar, with isoleucine, which is neutral and non-polar, at codon 161 of the ACAD8 protein (p.Thr161Ile). This variant is not present in population databases (gnomAD no frequency). This variant has not been reported in the literature in individuals affected with ACAD8-related conditions. Invitae Evidence Modeling of protein sequence and biophysical properties (such as structural, functional, and spatial information, amino acid conservation, physicochemical variation, residue mobility, and thermodynamic stability) indicates that this missense variant is expected to disrupt ACAD8 protein function with a positive predictive value of 95%. In summary, the available evidence is currently insufficient to determine the role of this variant in disease. Therefore, it has been classified as a Variant of Uncertain Significance.

NM_014384.3(ACAD8):c.482C>T (p.Thr161Ile)

Gene: ACAD8 (acyl-CoA dehydrogenase family member 8; plus strand). Cytogenetic location: 11q25.
Variant type: single nucleotide variant.
Coding change: c.482C>T on transcript NM_014384.3 (MANE Select); coding-DNA position 482, C replaced by T.
Protein change: p.Thr161Ile; replaces threonine 161 with isoleucine.
Molecular consequence: missense variant.
Genome position (GRCh38, 1-based): chr11:134,258,616, C>T. VCF-style: chr11-134258616-C-T. GRCh37 (hg19) VCF-style: chr11-134128510-C-T.
Other names: c.482C>T, p.Thr161Ile (NM_001441136.1, NM_001441137.1); c.188C>T, p.Thr63Ile (NM_001441138.1); short protein forms T161I, T63I.
Identifiers: ClinVar variation 4761723 (VCV004761723.1).